The following is an entry in ClinVar:

NM_002691.4(POLD1):c.518G>A (p.Ser173Asn)

Gene: POLD1 (DNA polymerase delta 1, catalytic subunit; plus strand). Cytogenetic location: 19q13.33.
Variant type: single nucleotide variant.
Coding change: c.518G>A on transcript NM_002691.4 (MANE Select); coding-DNA position 518, G replaced by A.
Protein change: p.Ser173Asn; replaces serine 173 with asparagine.
Molecular consequence: missense variant. On other transcripts: non-coding transcript variant (1).
Genome position (GRCh38, 1-based): chr19:50,402,053, G>A. VCF-style: chr19-50402053-G-A. GRCh37 (hg19) VCF-style: chr19-50905310-G-A.
Other names: c.518G>A, p.Ser173Asn (NM_001256849.1, NM_001308632.1); short protein forms S173N.
Identifiers: ClinVar variation 380634 (VCV000380634.29), dbSNP rs1726803, ClinGen allele CA9595769.

ClinVar aggregate classification (germline): Benign. Review status: criteria provided, multiple submitters, no conflicts (2 of 4 stars). 14 submissions from 14 submitters: Benign (10). 4 of the submissions do not count toward it. Last evaluated 2026-02-04.

Conditions:
Hereditary cancer-predisposing syndrome. Also called: Neoplastic Syndromes, Hereditary; Hereditary neoplastic syndrome; Hereditary Cancer Syndrome; Tumor predisposition. Identifiers: Orphanet 140162, MedGen C0027672, MeSH D009386, MONDO:0015356.
POLD1-related polyposis and colorectal cancer syndrome (CRCS10). Also called: Colorectal cancer, susceptibility to, 10; Colorectal cancer 10; COLORECTAL CANCER, SUSCEPTIBILITY TO, ON CHROMOSOME 19q. Identifiers: Orphanet 220460, MedGen C2675481, MONDO:0012953, OMIM 612591.
Carcinoma of colon (CRC). Also called: Colon carcinoma; Colonic carcinoma. Identifiers: MedGen C0699790, MONDO:0002032.

Allele frequency attached by ClinVar (database versions not stated): gnomAD exomes 0.00275 and 0.00770; ExAC 0.00921; gnomAD 0.02952 and 0.03166; 1000 Genomes Project 0.03155; ESP Exome Variant Server 0.03260; 1000 Genomes Project 30x 0.03279; TOPMed 0.03404.
gnomAD v4.1: 8,701 of 1,614,076 alleles (0.54%); highest among the groups gnomAD compares: African/African-American, 10%; 416 homozygotes.

Submissions (14):

Labcorp Genetics (formerly Invitae), Labcorp
Classification: Benign for POLD1-related polyposis and colorectal cancer syndrome. Last evaluated: 2026-02-04. Review status: criteria provided, single submitter. Criteria: Invitae Variant Classification Sherloc (09022015). Collection method: clinical testing. Allele origin: germline.

Center for Genomic Medicine, Rigshospitalet, Copenhagen University Hospital
Classification: Benign. Last evaluated: 2025-03-04. Review status: criteria provided, single submitter. Criteria: ACMG Guidelines, 2015. Collection method: clinical testing. Allele origin: germline.

Institute for Biomarker Research, Medical Diagnostic Laboratories, L.L.C.
Classification: Benign for Hereditary cancer-predisposing syndrome. Last evaluated: 2025-01-20. Review status: criteria provided, single submitter. Criteria: ACMG Guidelines, 2015. Collection method: clinical testing. Allele origin: germline.
Comment: The missense variant NM_001308632.1(POLD1):c.518G>A (p.Ser173Asn) has been reported to ClinVar as Benign with a status of (2 stars) criteria provided, multiple submitters, no conflicts (Variation ID 380634 as of 2025-01-02). The variant is observed in one or more well-documented healthy adults.There is a small physicochemical difference between serine and asparagine, which is not likely to impact secondary protein structure as these residues share similar properties.The asparagine residue at codon 173 of POLD1 is only present in a single other mammalian species: Tibetan antelope. The nucleotide c.518 in POLD1 is predicted conserved by GERP++ and PhyloP across 100 vertebrates. For these reasons, this variant has been classified as Benign

KCCC/NGS Laboratory, Kuwait Cancer Control Center
Classification: Benign for POLD1-related polyposis and colorectal cancer syndrome. Last evaluated: 2023-07-07. Review status: criteria provided, single submitter. Criteria: ACMG Guidelines, 2015. Collection method: clinical testing. Allele origin: germline. Affected: yes.

PreventionGenetics, part of Exact Sciences
Classification: Benign. Last evaluated: 2016-12-06. Review status: criteria provided, single submitter. Criteria: ACMG Guidelines, 2015. Collection method: clinical testing. Allele origin: germline.

Quest Diagnostics Nichols Institute San Juan Capistrano
Classification: Benign. Last evaluated: 2016-08-04. Review status: criteria provided, single submitter. Criteria: Quest Diagnostics criteria. Collection method: clinical testing. Allele origin: germline.

Women's Health and Genetics/Laboratory Corporation of America, LabCorp
Classification: Benign. Last evaluated: 2016-05-18. Review status: criteria provided, single submitter. Criteria: LabCorp Variant Classification Summary - May 2015. Collection method: clinical testing. Allele origin: germline.
Comment: Variant summary: The POLD1 c.518G>A (p.Ser173Asn) variant involves the alteration of a conserved nucleotide. 5/5 in silico tools predict a benign outcome for this variant. This variant was found in 1114/120932 control chromosomes (including 57 homozygotes), predominantly observed in the African subpopulation at a frequency of 0.1000194 (1030/10298). This frequency is about 7041 times the estimated maximal expected allele frequency of a pathogenic POLD1 variant (0.0000142), suggesting this is a common benign polymorphism found primarily in the populations of African. Taken together, this variant is classified as Benign.

GeneDx
Classification: Benign. Last evaluated: 2015-11-13. Review status: criteria provided, single submitter. Criteria: GeneDx Variant Classification (06012015). Collection method: clinical testing. Allele origin: germline. Affected: yes.
Comment: This variant is considered likely benign or benign based on one or more of the following criteria: it is a conservative change, it occurs at a poorly conserved position in the protein, it is predicted to be benign by multiple in silico algorithms, and/or has population frequency not consistent with disease.

Ambry Genetics
Classification: Benign for Hereditary cancer-predisposing syndrome. Last evaluated: 2015-05-20. Review status: criteria provided, single submitter. Criteria: Ambry Variant Classification Scheme 2023. Collection method: clinical testing. Allele origin: germline.

Breakthrough Genomics
Classification: Benign. Review status: criteria provided, single submitter. Criteria: ACMG Guidelines, 2015. Collection method: not provided. Allele origin: germline. Inheritance: Autosomal dominant inheritance. Affected: yes.

True Health Diagnostics
Classification: Likely benign for Hereditary cancer-predisposing syndrome. Last evaluated: 2017-10-25. Review status: no assertion criteria provided. Collection method: clinical testing. Allele origin: germline. Not counted in ClinVar's aggregate classification.

Clinical Genetics, Academic Medical Center
Classification: Benign. Review status: no assertion criteria provided. Collection method: clinical testing. Allele origin: germline. Affected: yes. Study: VKGL Data-share Consensus. Not counted in ClinVar's aggregate classification.

Department of Pathology and Laboratory Medicine, Sinai Health System
Classification: Benign for Carcinoma of colon. Review status: no assertion criteria provided. Collection method: clinical testing. Allele origin: unknown. Affected: yes. Study: The Canadian Open Genetics Repository (COGR). Not counted in ClinVar's aggregate classification.
Comment: The POLD1 p.Ser173Asn variant was identified in dbSNP (ID: rs1726803) â€šÃ„ÃºWith Benign alleleâ€šÃ„Ã¹, ClinVar (classified benign by GeneDx, Invitae, Ambry Genetics and Quest Diagnostics Nichols Institute San Juan Capistrano), and in control databases in 2724 (141 homozygous) of 276964 chromosomes at a frequency of 0.01 increasing the likelihood this could be a low frequency benign variant (Genome Aggregation Database Feb 27, 2017). Breakdown of the observations by population include African in 2439 (139 homozygous) of 23962 chromosomes (freq: 0.10), Other in 20 of 6462 chromosomes (freq: 0.003), Latino in 231 (2 homozygous) of 34410 chromosomes (freq: 0.007), European Non-Finnish in 31 of 126566 chromosomes (freq: 0.0002), Ashkenazi Jewish in 1 of 10142 chromosomes (freq: 0.0001), and South Asian in 2 of 30782 chromosomes (freq: 0.00007), while not observed in the East Asian and European Finnish populations. The p.Ser173 residue is conserved in in mammals but not in more distantly related organisms and computational analyses (PolyPhen-2, SIFT, AlignGVGD, BLOSUM, MutationTaster) do not suggest a high likelihood of impact of Asn to the protein; this information is not predictive enough to rule out pathogenicity. The variant occurs outside of the splicing consensus sequence and 1 of 5 in silico or computational prediction software programs (SpliceSiteFinder, MaxEntScan, NNSPLICE, GeneSplicer, HumanSpliceFinder) predict a greater than 10% difference in splicing; this is not very predictive of pathogenicity. In summary, based on the above information this variant meets our laboratory's criteria to be classified as benign.

Genome Diagnostics Laboratory, Amsterdam University Medical Center
Classification: Benign. Review status: no assertion criteria provided. Collection method: clinical testing. Allele origin: germline. Affected: yes. Study: VKGL Data-share Consensus. Not counted in ClinVar's aggregate classification.

Literature cited by the submitters: PubMed 15766587 (cited by Quest Diagnostics Nichols Institute San Juan Capistrano); PubMed 15322521 (cited by Women's Health and Genetics/Laboratory Corporation of America, LabCorp).